The following is an entry in ClinVar:

NM_213599.3(ANO5):c.649-249C>G

Gene: ANO5 (anoctamin 5; plus strand). Cytogenetic location: 11p14.3.
Variant type: single nucleotide variant.
Coding change: c.649-249C>G on transcript NM_213599.3 (MANE Select); 249 bases into the intron before coding-DNA position 649, C replaced by G.
Molecular consequence: intron variant.
Genome position (GRCh38, 1-based): chr11:22,235,914, C>G. VCF-style: chr11-22235914-C-G. GRCh37 (hg19) VCF-style: chr11-22257460-C-G.
Other names: c.646-249C>G (NM_001142649.2).
Identifiers: ClinVar variation 677975 (VCV000677975.1), dbSNP rs4254072, ClinGen allele CA218740917.

ClinVar aggregate classification (germline): Benign (1 of 4 stars; one submission).

Allele frequency attached by ClinVar (database versions not stated): gnomAD 0.13689 and 0.14172; TOPMed 0.15344; 1000 Genomes Project 0.19728; 1000 Genomes Project 30x 0.20175.
gnomAD v4.1: 20,599 of 151,936 alleles (14%); highest among the groups gnomAD compares: African/African-American, 43%; 4,019 homozygotes.

Submission:

GeneDx
Classification: Benign. Last evaluated: 2018-06-19. Review status: criteria provided, single submitter. Criteria: GeneDx Variant Classification (06012015). Collection method: clinical testing. Allele origin: germline. Affected: yes.
Comment: This variant is considered likely benign or benign based on one or more of the following criteria: it is a conservative change, it occurs at a poorly conserved position in the protein, it is predicted to be benign by multiple in silico algorithms, and/or has population frequency not consistent with disease.